The following continues an entry in ClinVar:

NM_001276345.2(TNNT2):c.886C>T (p.Arg296Cys)

Gene: TNNT2. ClinVar aggregate classification (germline): Uncertain significance. Uncertain significance (1).

Submissions 6 to 13 of 13:

All of Us Research Program, National Institutes of Health
Classification: Uncertain significance for Cardiomyopathy. Last evaluated: 2024-08-06. Review status: criteria provided, single submitter. Criteria: ACMG Guidelines, 2015. Collection method: clinical testing. Allele origin: germline. Inheritance: Autosomal dominant inheritance. Observed: 2 variant alleles, 2 heterozygotes. Not counted in ClinVar's aggregate classification.
Comment: This missense variant replaces arginine with cysteine at codon 286 in the tropomyosin binding domain 2 of the TNNT2 protein. Computational prediction suggests that this variant may not impact protein structure and function (internally defined REVEL score threshold <= 0.5, PMID: 27666373). To our knowledge, functional studies have not been reported for this variant. This variant has been reported in over 10 individuals affected with hypertrophic cardiomyopathy (PMID: 12707239, 15958377, 23785128, 25524337, 27532257, 28408708, 28790153, 31941943, 33495596, 33495597). It has also been reported in individuals affected with left ventricular hypertrophy (PMID: 32290750), unknown arrhythmia (PMID: 30847666), and sudden unexplained nocturnal death (PMID: 27707468). This variant has been identified in 6/242990 chromosomes in the general population by the Genome Aggregation Database (gnomAD). Although there is a suspicion that this variant may be associated with disease, additional studies are necessary to determine the role of this variant in disease conclusively. Therefore, this variant is classified as a Variant of Uncertain Significance.

This study involves interpretation of variants in research participants for the purpose of population health screening. Participant phenotype was not available at the time of variant classification. Additional details can be found in publication PMID: 35346344, PMCID: PMC8962531

Laboratory for Molecular Medicine, Mass General Brigham Personalized Medicine
Classification: Uncertain significance for Hypertrophic cardiomyopathy. Last evaluated: 2023-10-06. Review status: criteria provided, single submitter. Criteria: ACMG Guidelines, 2015. Collection method: clinical testing. Allele origin: germline. Not counted in ClinVar's aggregate classification.
Comment: The p.Arg286Cys variant in TNNT2 has been reported in 16 individuals with HCM (Richard 2003 PMID 12707239, Miliou 2005 PMID 15958377, Mook 2013 PMID 23785128, Coppini 2014 PMID 25524337, Walsh 2016 PMID 27532257, Ingles 2017 PMID 28408708, Burns 2017 PMID 28790153, Luo 2020 PMID 31941943, Parbhudayal 2020 PMID 32290750, LMM unpublished data), and in 1 individual with sudden death (Zhang 2016 PMID 27707468). Two of these individuals had additional variants in different genes associated with cardiomyopathy. This variant has also been reported by other clinical laboratories in ClinVar (Variation ID 43676), and has been identified in 0.02% (3/18018) of East Asian and 0.003% (3/109994) of European chromosomes by gnomAD. An odds ratio of 17.97 (95% CI 7.03-45.92, p<0.0001) was calculated using probands reported by our laboratory, probands in the literature, and the data from the gnomAD database. This odds ratio would meet PS4_Supporting criteria as recommended by the ClinGen Cardiomyopathy Expert Panel (Kelly 2018 PMID 29300372); however, in light of additional probands with HCM reported by other clinical laboratories in ClinVar, PS4_Moderate was applied. Computational prediction tools and conservation analysis suggest that the p.Arg286Cys variant may impact the protein, though this information is not predictive enough to determine pathogenicity. In summary, while there is some suspicion for a pathogenic role, the clinical significance of the p.Arg286Cys variant is uncertain. ACMG/AMP criteria applied: PS4_Moderate, PM2_Supporting, PP3.

Blueprint Genetics
Classification: Pathogenic for TNNT2-related disorders. Last evaluated: 2023-07-07. Review status: criteria provided, single submitter. Criteria: ACMG Guidelines, 2015. Collection method: clinical testing. Allele origin: germline. Affected: yes. Observed: 3 variant alleles. Not counted in ClinVar's aggregate classification.

Victorian Clinical Genetics Services, Murdoch Childrens Research Institute
Classification: Likely pathogenic for Hypertrophic cardiomyopathy 2. Last evaluated: 2022-03-31. Review status: criteria provided, single submitter. Criteria: ACMG Guidelines, 2015. Collection method: clinical testing. Allele origin: germline. Inheritance: Autosomal dominant inheritance. Affected: yes. Not counted in ClinVar's aggregate classification.
Comment: Based on the classification scheme VCGS_Germline_v1.3.4, this variant is classified as Likely Pathogenic. Following criteria are met: 0105 - The mechanism of disease for this gene is not clearly established. Functional studies have suggested loss-of-function, gain-of-function and dominant-negative mechanisms based on calcium sensitivity, contractibility and mouse models (PMID: 18612386, 32098556, 33025817). (I) 0107 - This gene is associated with autosomal dominant disease. (I) 0200 - Variant is predicted to result in a missense amino acid change from arginine to cysteine. (I) 0251 - This variant is heterozygous. (I) 0302 - Variant is present in gnomAD (v2) <0.001 for a dominant condition (6 heterozygotes, 0 homozygotes). (SP) 0309 - An alternative amino acid change at the same position has been observed in gnomAD (v2) (19 heterozygotes, 0 homozygotes). (I) 0501 - Missense variant consistently predicted to be damaging by multiple in silico tools or highly conserved with a major amino acid change. (SP) 0604 - Variant is not located in an established domain, motif, hotspot or informative constraint region. (I) 0710 - Other missense variants comparable to the one identified in this case have inconclusive previous evidence for pathogenicity. These alternative changes, p.(Arg293His), p.(Arg293Ser) and p.(Arg293Pro), have been reported as VUS, and have been observed in hypertrophic cardiomyopathy patient cohorts (HCM; LOVD, ClinVar, PMID: 24111713, PMID: 33495597, PMID: 27532257, PMID: 33495596). (I) 0808 - Previous reports of pathogenicity for this variant are conflicting. This variant has been reported many times as a VUS, but also as likely pathogenic and pathogenic, and has been observed in at least 17 unrelated probands with HCM. Additionally, it was seen once each in an individual with unexplained arrhythmia, sudden unexplained death who also had additional variants in the MYH6 and CACNB2 genes, and another asymptomatic carrier (ClinVar, LOVD, PMID: 27532257, PMID: 33495596, PMID: 33559798, PMID: 28790153, PMID: 31941943, PMID: 28408708, PMID: 25524337, PMID: 27707468, PMID: 12707239, PMID: 23785128, PMID: 15958377, PMID: 30847666). (I) 0906 - Segregation evidence for this variant is inconclusive. This variant appears to segregate within a family with HCM, but it is unclear who was genetically tested (PMID: 15958377). (I) 1007 - No published functional evidence has been identified for this variant. (I) 1208 - Inheritance information for this variant is not currently available in this individual. (I) Legend: (SP) - Supporting pathogenic, (I) - Information, (SB) - Supporting benign

Revvity Omics, Revvity
Classification: Uncertain significance. Last evaluated: 2019-12-26. Review status: criteria provided, single submitter. Criteria: ACMG Guidelines, 2015. Collection method: clinical testing. Allele origin: germline. Not counted in ClinVar's aggregate classification.

Center for Human Genetics, University of Leuven
Classification: Uncertain significance for Hypertrophic cardiomyopathy. Last evaluated: 2018-10-31. Review status: criteria provided, single submitter. Criteria: ACMG Guidelines, 2015. Collection method: clinical testing. Allele origin: germline. Affected: yes. Not counted in ClinVar's aggregate classification.

Agnes Ginges Centre for Molecular Cardiology, Centenary Institute
Classification: Uncertain significance for Hypertrophic cardiomyopathy 1. Last evaluated: 2014-10-08. Review status: criteria provided, single submitter. Criteria: Agnes Ginges Centre for Molecular Cardiology criteria (2015). Collection method: research. Allele origin: germline. Inheritance: Autosomal dominant inheritance. Affected: yes. Not counted in ClinVar's aggregate classification.
Comment: This TNNT2 Arg293Cys variant was first reported by Richard P et al., (2003) as a novel variant in one HCM proband. It has since been identified in other HCM patients (Miliou A., et al 2005; Mook O., et al 2013). Limited segregation analysis by Miliou A., et al (2005) identified 1 family member (son) of the index case to be carrying the Arg293Cys variant. This relative had no echo features of HCM but had ECG criteria for the 'sub clinical form of the disease'. This variant is present (MAF=0.00001) in the Exome Aggregation Consortium dataset. Computational analyses (Polyphen2, CADD, SIFT, Grantham) support a potentially deleterious role. More evidence and additional data is needed to confirm the role of this variant. Thus, we classify this variant as having "uncertain significance".

Genetics and Genomics Program, Sidra Medicine
Classification: Likely pathogenic for Hypertrophic cardiomyopathy. Review status: criteria provided, single submitter. Criteria: ACMG Guidelines, 2015. Collection method: research. Allele origin: unknown. Affected: yes. Observed: 1 variant allele. Not counted in ClinVar's aggregate classification.

Literature cited by the submitters: PubMed 12707239 (cited by 7 submitters); PubMed 15958377 (cited by 7 submitters); PubMed 23785128 (cited by 7 submitters); PubMed 25524337 (cited by 5 submitters); PubMed 32290750 (cited by 5 submitters); PubMed 28790153 (cited by 6 submitters); PubMed 37652022 (cited by Women's Health and Genetics/Laboratory Corporation of America, LabCorp); PubMed 37937776 (cited by Women's Health and Genetics/Laboratory Corporation of America, LabCorp); PubMed 40591592 (cited by Women's Health and Genetics/Laboratory Corporation of America, LabCorp); PubMed 39633578 (cited by Women's Health and Genetics/Laboratory Corporation of America, LabCorp and Color Diagnostics, LLC DBA Color Health); PubMed 27532257 (cited by 5 submitters); PubMed 28408708 (cited by 5 submitters); PubMed 30847666 (cited by 4 submitters); PubMed 31513939 (cited by Ambry Genetics); PubMed 31941943 (cited by 5 submitters); PubMed 33559798 (cited by Ambry Genetics and Victorian Clinical Genetics Services, Murdoch Childrens Research Institute); PubMed 27707468 (cited by 4 submitters); PubMed 33495596 (cited by 3 submitters); PubMed 33495597 (cited by 3 submitters); PubMed 40672242 (cited by Color Diagnostics, LLC DBA Color Health); PubMed 18612386 (cited by Victorian Clinical Genetics Services, Murdoch Childrens Research Institute); PubMed 24111713 (cited by Victorian Clinical Genetics Services, Murdoch Childrens Research Institute); PubMed 32098556 (cited by Victorian Clinical Genetics Services, Murdoch Childrens Research Institute); PubMed 33025817 (cited by Victorian Clinical Genetics Services, Murdoch Childrens Research Institute).